The following is an entry in ClinVar:

NM_014049.5(ACAD9):c.1594C>T (p.Arg532Trp)

Genes: ACAD9 (acyl-CoA dehydrogenase family member 9; plus strand), CFAP92 (cilia and flagella associated protein 92 (putative); minus strand). Cytogenetic location: 3q21.3.
Variant type: single nucleotide variant.
Coding change: c.1594C>T on transcript NM_014049.5 (MANE Select); coding-DNA position 1594, C replaced by T.
Protein change: p.Arg532Trp; replaces arginine 532 with tryptophan.
Molecular consequence: missense variant. On other transcripts: non-coding transcript variant (1), 3 prime UTR variant (3).
Genome position (GRCh38, 1-based): chr3:128,910,051, C>T. VCF-style: chr3-128910051-C-T. GRCh37 (hg19) VCF-style: chr3-128628894-C-T.
Other names: p.R532W:CGG>TGG; c.*248G>A (NM_001348520.2, NM_001348521.2, NM_001394090.1); c.1225C>T, p.Arg409Trp (NM_001410805.1); short protein forms R532W, R409W.
Identifiers: ClinVar variation 30884 (VCV000030884.16), dbSNP rs377022708, ClinGen allele CA129521.

ClinVar aggregate classification (germline): Pathogenic/Likely pathogenic. Review status: criteria provided, multiple submitters, no conflicts (2 of 4 stars). 6 submissions from 6 submitters: Pathogenic (3); Likely pathogenic (2). 1 of the submissions does not count toward it. Last evaluated 2025-09-24.

Conditions:
Mitochondrial complex I deficiency. Also called: NADH:Q(1) OXIDOREDUCTASE DEFICIENCY. Identifiers: Orphanet 2609, MedGen C1838979, MeSH C537475, MONDO:0100133.
Acyl-CoA dehydrogenase 9 deficiency. Also called: Acyl-CoA dehydrogenase family, member 9, deficiency of; MITOCHONDRIAL COMPLEX I DEFICIENCY, NUCLEAR TYPE 20. Identifiers: Orphanet 99901, MedGen C4747517, MONDO:0012624, OMIM 611126.

Allele frequency attached by ClinVar (database versions not stated): TOPMed 0.00001; ESP Exome Variant Server 0.00008; gnomAD exomes 0.00003; ExAC 0.00001; gnomAD 0.00001.
gnomAD v4.1: 38 of 1,613,724 alleles (0.0024%); highest among the groups gnomAD compares: Non-Finnish European, 0.0029%; no homozygotes.

Submissions (6):

Genesolutions, Medical Genetics Institutes, Ho Chi Minh City, Vietnam
Classification: Likely pathogenic for Acyl-CoA dehydrogenase 9 deficiency. Last evaluated: 2025-09-24. Review status: criteria provided, single submitter. Criteria: ACMG Guidelines, 2015. Collection method: clinical testing. Allele origin: germline. Affected: yes.

Natera, Inc.
Classification: Pathogenic for ACAD9 deficiency. Last evaluated: 2025-06-05. Review status: criteria provided, single submitter. Criteria: Natera Variant Classification Schema (03/2026). Collection method: clinical testing. Allele origin: germline.
Comment: The c.1594C>T variant in ACAD9 is a missense variant predicted to cause substitution of arginine to tryptophan at amino acid 532. This variant is rare in the general population with a frequency below the threshold expected for the associated phenotype(s). This variant has been observed in one or more individuals affected with the associated recessive disease, as either homozygous or compound heterozygous with a second variant (PMID: 22499348, 20929961, 26669660). Additionally, this variant has been observed to segregate in affected family members (PMID: 22499348). Computational prediction algorithms indicate this variant is likely to affect gene or protein function. Given the available evidence, this variant is classified as Pathogenic.

Labcorp Genetics (formerly Invitae), Labcorp
Classification: Pathogenic. Last evaluated: 2023-12-20. Review status: criteria provided, single submitter. Criteria: Invitae Variant Classification Sherloc (09022015). Collection method: clinical testing. Allele origin: germline.
Comment: This sequence change replaces arginine, which is basic and polar, with tryptophan, which is neutral and slightly polar, at codon 532 of the ACAD9 protein (p.Arg532Trp). This variant is present in population databases (rs377022708, gnomAD 0.0009%). This missense change has been observed in individuals with complex I deficiency (PMID: 20929961, 22499348, 30025539). It has also been observed to segregate with disease in related individuals. ClinVar contains an entry for this variant (Variation ID: 30884). Advanced modeling of protein sequence and biophysical properties (such as structural, functional, and spatial information, amino acid conservation, physicochemical variation, residue mobility, and thermodynamic stability) performed at Invitae indicates that this missense variant is expected to disrupt ACAD9 protein function with a positive predictive value of 80%. Experimental studies have shown that this missense change does not substantially affect ACAD9 function (PMID: 25721401). For these reasons, this variant has been classified as Pathogenic.

Women's Health and Genetics/Laboratory Corporation of America, LabCorp
Classification: Pathogenic for Mitochondrial complex I deficiency. Last evaluated: 2022-02-21. Review status: criteria provided, single submitter. Criteria: LabCorp Variant Classification Summary - May 2015. Collection method: clinical testing. Allele origin: germline.
Comment: Variant summary: ACAD9 c.1594C>T (p.Arg532Trp) results in a non-conservative amino acid change in the encoded protein sequence. Five of five in-silico tools predict a damaging effect of the variant on protein function. The variant was absent in 249762 control chromosomes. c.1594C>T has been reported in the literature in multiple individuals affected with Mitochondrial Complex I Deficiency, Nuclear Type 20. Experimental evidence shows the variant to exhibite ACAD9 activity indistinguishable from wild type, leading authors to suggest that mutations in ACAD9 lead to CI deficiency independent of their effects on ACAD enzyme activity (Schiff_2015). Two clinical diagnostic laboratories have submitted clinical-significance assessments for this variant to ClinVar after 2014 without evidence for independent evaluation. All laboratories classified the variant as pathogenic/likely pathogenic. Based on the evidence outlined above, the variant was classified as pathogenic.

GeneDx
Classification: Likely pathogenic. Last evaluated: 2016-03-04. Review status: criteria provided, single submitter. Criteria: GeneDx Variant Classification (06012015). Collection method: clinical testing. Allele origin: germline. Affected: yes.
Comment: The R532W variant in the ACAD9 gene has been reported previously as a homozygous mutation in a consanguineous family. Affected individuals presented with easy fatigability and exercise intolerance (Gerards et al., 2011). Functional studies comparing wildtype and mutant ACAD9 indicate the R532W variant is unable to restore complex 1 activity in mutant cell lines (Gerards et al., 2011). The R532W variant was not observed with any significant frequency in approximately 6500 individuals of European and African American ancestry in the NHLBI Exome Sequencing Project, indicating it is not a common benign variant in these populations. The R532W variant is a non-conservative amino acid substitution, which is likely to impact secondary protein structure as these residues differ in polarity, charge, size and/or other properties. This substitution occurs at a position that is moderately conserved across species. In silico analysis predicts this variant is probably damaging to the protein structure/function, supporting the functional importance of this region of the protein. The R532W variant is a good candidate for a disease-causing mutation, however the possibility it may be a rare benign variant cannot be excluded.

OMIM
Classification: Pathogenic for MITOCHONDRIAL COMPLEX I DEFICIENCY, NUCLEAR TYPE 20. Last evaluated: 2012-04-01. Review status: no assertion criteria provided. Collection method: literature only. Allele origin: germline. Not counted in ClinVar's aggregate classification.

Literature cited by the submitters: PubMed 22499348 (cited by 3 submitters); PubMed 20929961 (cited by 3 submitters); PubMed 26669660 (cited by Natera, Inc.); PubMed 30025539 (cited by Labcorp Genetics (formerly Invitae), Labcorp); PubMed 25721401 (cited by Labcorp Genetics (formerly Invitae), Labcorp and Women's Health and Genetics/Laboratory Corporation of America, LabCorp); PubMed 21057504 (cited by OMIM).